The following is an entry in ClinVar:

NM_000179.3(MSH6):c.2474T>C (p.Ile825Thr)

Gene: MSH6 (mutS homolog 6; plus strand). Cytogenetic location: 2p16.3.
Variant type: single nucleotide variant.
Coding change: c.2474T>C on transcript NM_000179.3 (MANE Select); coding-DNA position 2474, T replaced by C.
Protein change: p.Ile825Thr; replaces isoleucine 825 with threonine.
Molecular consequence: missense variant.
Genome position (GRCh38, 1-based): chr2:47,800,457, T>C. VCF-style: chr2-47800457-T-C. GRCh37 (hg19) VCF-style: chr2-48027596-T-C.
Other names: c.2084T>C, p.Ile695Thr (NM_001281492.2); c.1568T>C, p.Ile523Thr (NM_001281493.2, NM_001281494.2, NM_001406811.1 and 6 more transcripts); c.2570T>C, p.Ile857Thr (NM_001406795.1, NM_001406802.1); c.2474T>C, p.Ile825Thr (NM_001406796.1, NM_001406798.1, NM_001406800.1 and 2 more transcripts); c.2177T>C, p.Ile726Thr (NM_001406797.1, NM_001406801.1, NM_001406805.1 and 10 more transcripts); c.1949T>C, p.Ile650Thr (NM_001406799.1, NM_001406806.1, NM_001406807.1); c.2396T>C, p.Ile799Thr (NM_001406804.1); c.2480T>C, p.Ile827Thr (NM_001406813.1); and 1 more; short protein forms I857T, I825T, I523T, I650T, I695T, I726T, I799T, I827T.
Identifiers: ClinVar variation 1791822 (VCV001791822.5), dbSNP rs1669467866, ClinGen allele CA346754140.

ClinVar aggregate classification (germline): Uncertain significance. Review status: criteria provided, multiple submitters, no conflicts (2 of 4 stars). 2 submissions from 2 submitters: Uncertain significance (2). Last evaluated 2025-10-26.

Conditions:
Hereditary cancer-predisposing syndrome. Also called: Hereditary Cancer Syndrome; Hereditary neoplastic syndrome; Tumor predisposition; Neoplastic Syndromes, Hereditary. Identifiers: Orphanet 140162, MedGen C0027672, MeSH D009386, MONDO:0015356.
Hereditary nonpolyposis colorectal neoplasms. Identifiers: MedGen C0009405, MeSH D003123.

Submissions (2):

Labcorp Genetics (formerly Invitae), Labcorp
Classification: Uncertain significance for Hereditary nonpolyposis colorectal neoplasms. Last evaluated: 2025-10-26. Review status: criteria provided, single submitter. Criteria: Invitae Variant Classification Sherloc (09022015). Collection method: clinical testing. Allele origin: germline.
Comment: This sequence change replaces isoleucine, which is neutral and non-polar, with threonine, which is neutral and polar, at codon 825 of the MSH6 protein (p.Ile825Thr). This variant is not present in population databases (gnomAD no frequency). This variant has not been reported in the literature in individuals affected with MSH6-related conditions. ClinVar contains an entry for this variant (Variation ID: 1791822). Invitae Evidence Modeling of protein sequence and biophysical properties (such as structural, functional, and spatial information, amino acid conservation, physicochemical variation, residue mobility, and thermodynamic stability) has been performed for this missense variant. However, the output from this modeling did not meet the statistical confidence thresholds required to predict the impact of this variant on MSH6 protein function. In summary, the available evidence is currently insufficient to determine the role of this variant in disease. Therefore, it has been classified as a Variant of Uncertain Significance.

Ambry Genetics
Classification: Uncertain significance for Hereditary cancer-predisposing syndrome. Last evaluated: 2023-05-24. Review status: criteria provided, single submitter. Criteria: Ambry Variant Classification Scheme 2023. Collection method: clinical testing. Allele origin: germline.
Comment: The p.I825T variant (also known as c.2474T>C), located in coding exon 4 of the MSH6 gene, results from a T to C substitution at nucleotide position 2474. The isoleucine at codon 825 is replaced by threonine, an amino acid with similar properties. This amino acid position is highly conserved in available vertebrate species. In addition, this alteration is predicted to be deleterious by in silico analysis. Since supporting evidence is limited at this time, the clinical significance of this alteration remains unclear.